The following is an entry in ClinVar:

ClinVar aggregate classification (germline): Benign/Likely benign. Review status: criteria provided, multiple submitters, no conflicts (2 of 4 stars). 3 submissions from 3 submitters: Benign (1); Likely benign (2). Last evaluated 2018-07-15.

Conditions:
Mitochondrial complex V (ATP synthase) deficiency, nuclear type 2. Also called: Nuclear-Encoded ATPase Deficiency, TMEM70-Related; ENCEPHALOCARDIOMYOPATHY, MITOCHONDRIAL, NEONATAL, DUE TO ATP SYNTHASE DEFICIENCY; MITOCHONDRIAL COMPLEX V (ATP SYNTHASE) DEFICIENCY, TMEM70 TYPE. Identifiers: Orphanet 1194, MedGen C3279699, MONDO:0013546, OMIM 614052.

Allele frequency attached by ClinVar (database versions not stated): gnomAD exomes 0.00270; 1000 Genomes Project 0.00919; 1000 Genomes Project 30x 0.00937; TOPMed 0.01199.
gnomAD v4.1: 3,008 of 1,518,218 alleles (0.2%); highest among the groups gnomAD compares: African/African-American, 3.7%; 54 homozygotes.

Submissions (3):

GeneDx
Classification: Likely benign. Last evaluated: 2018-07-15. Review status: criteria provided, single submitter. Criteria: GeneDx Variant Classification Process June 2021. Collection method: clinical testing. Allele origin: germline. Affected: yes.

Illumina Laboratory Services, Illumina
Classification: Benign for Mitochondrial complex V (ATP synthase) deficiency, nuclear type 2. Last evaluated: 2018-01-12. Review status: criteria provided, single submitter. Criteria: ICSL Variant Classification Criteria 13 December 2019. Collection method: clinical testing. Allele origin: germline.
Comment: This variant was observed in the ICSL laboratory as part of a predisposition screen in an ostensibly healthy population. It had not been previously curated by ICSL or reported in the Human Gene Mutation Database (HGMD: prior to June 1st, 2018), and was therefore a candidate for classification through an automated scoring system. Utilizing variant allele frequency, disease prevalence and penetrance estimates, and inheritance mode, an automated score was calculated to assess if this variant is too frequent to cause the disease. Based on the score and internal cut-off values, a variant classified as benign is not then subjected to further curation. The score for this variant resulted in a classification of benign for this disease.

Breakthrough Genomics
Classification: Likely benign. Review status: criteria provided, single submitter. Criteria: ACMG Guidelines, 2015. Collection method: not provided. Allele origin: germline. Inheritance: Autosomal recessive inheritance. Affected: yes.

NM_017866.6(TMEM70):c.-53G>A

Gene: TMEM70 (transmembrane protein 70; plus strand). Cytogenetic location: 8q21.11.
Variant type: single nucleotide variant.
Coding change: c.-53G>A on transcript NM_017866.6 (MANE Select); 53 bases upstream of the start codon, G replaced by A.
Molecular consequence: 5 prime UTR variant. On other transcripts: non-coding transcript variant (1).
Genome position (GRCh38, 1-based): chr8:73,976,229, G>A. VCF-style: chr8-73976229-G-A. GRCh37 (hg19) VCF-style: chr8-74888464-G-A.
Other names: c.-53G>A (NM_001040613.3).
Identifiers: ClinVar variation 911838 (VCV000911838.8), dbSNP rs150775418, ClinGen allele CA4783904.